The following is an entry in ClinVar:

NM_015114.3(ANKLE2):c.941G>A (p.Arg314Gln)

Gene: ANKLE2 (ankyrin repeat and LEM domain containing 2; minus strand). Cytogenetic location: 12q24.33.
Variant type: single nucleotide variant.
Coding change: c.941G>A on transcript NM_015114.3 (MANE Select); coding-DNA position 941, G replaced by A.
Protein change: p.Arg314Gln; replaces arginine 314 with glutamine.
Molecular consequence: missense variant.
Genome position (GRCh38, 1-based): chr12:132,748,238, C>T on the plus strand (G>A on the coding strand, the complement: ANKLE2 is on the minus strand). VCF-style: chr12-132748238-C-T. GRCh37 (hg19) VCF-style: chr12-133324824-C-T.
Other names: short protein forms R314Q.
Identifiers: ClinVar variation 985174 (VCV000985174.6), dbSNP rs778886674, ClinGen allele CA6895816.

ClinVar aggregate classification (germline): Conflicting classifications of pathogenicity. Review status: criteria provided, conflicting classifications (1 of 4 stars). 2 submissions from 2 submitters: Likely pathogenic (1); Uncertain significance (1). Last evaluated 2025-03-14.

Conditions:
Inborn genetic diseases. Identifiers: MedGen C0950123, MeSH D030342.

Allele frequency attached by ClinVar (database versions not stated): ExAC 0.00001; gnomAD exomes 0.00001; TOPMed 0.00002.
gnomAD v4.1: 18 of 1,614,134 alleles (0.0011%); highest among the groups gnomAD compares: Non-Finnish European, 0.0014%; no homozygotes.

Submissions (2):

Ambry Genetics
Classification: Likely pathogenic for Inborn genetic diseases. Last evaluated: 2025-03-14. Review status: criteria provided, single submitter. Criteria: Ambry Variant Classification Scheme 2023. Collection method: clinical testing. Allele origin: germline.
Comment: The c.941G>A (p.R314Q) alteration is located in coding exon 4 of the ANKLE2 gene. This alteration results from a G to A substitution at nucleotide position 941, causing the arginine (R) at amino acid position 314 to be replaced by a glutamine (Q). Based on data from gnomAD, the A allele has an overall frequency of 0.001% (2/249486) total alleles studied. The highest observed frequency was 0.002% (2/113216) of European (non-Finnish) alleles. This variant has been identified in the homozygous state and/or in conjunction with other ANKLE2 variant(s) in individual(s) with features consistent with ANKLE2-related primary microcephaly (Ambry internal data, external communication). This amino acid position is highly conserved in available vertebrate species. This alteration is predicted to be deleterious by in silico analysis. Based on the available evidence, this alteration is classified as likely pathogenic.

Blueprint Genetics
Classification: Uncertain significance. Last evaluated: 2022-07-21. Review status: criteria provided, single submitter. Criteria: ACMG Guidelines, 2015. Collection method: clinical testing. Allele origin: germline.